The following is an entry in ClinVar:

NM_002519.3(NPAT):c.1996G>T (p.Val666Leu)

Gene: NPAT (nuclear protein, coactivator of histone transcription; minus strand). Cytogenetic location: 11q22.3.
Variant type: single nucleotide variant.
Coding change: c.1996G>T on transcript NM_002519.3 (MANE Select); coding-DNA position 1996, G replaced by T.
Protein change: p.Val666Leu; replaces valine 666 with leucine.
Molecular consequence: missense variant.
Genome position (GRCh38, 1-based): chr11:108,172,988, C>A on the plus strand (G>T on the coding strand, the complement: NPAT is on the minus strand). VCF-style: chr11-108172988-C-A. GRCh37 (hg19) VCF-style: chr11-108043715-C-A.
Other names: c.1996G>T, p.Val666Leu (NM_001321307.1); short protein forms V666L.
Identifiers: ClinVar variation 2453758 (VCV002453758.2), dbSNP rs1241178198, ClinGen allele CA382513900.

ClinVar aggregate classification (germline): Uncertain significance (1 of 4 stars; one submission).

gnomAD v4.1: 3 of 1,614,104 alleles (0.00019%); highest among the groups gnomAD compares: Non-Finnish European, 0.00017%; no homozygotes.

Submission:

Ambry Genetics
Classification: Uncertain significance. Last evaluated: 2022-12-24. Review status: criteria provided, single submitter. Criteria: Ambry Variant Classification Scheme 2023. Collection method: clinical testing. Allele origin: germline.
Comment: The p.V666L variant (also known as c.1996G>T), located in coding exon 13 of the NPAT gene, results from a G to T substitution at nucleotide position 1996. The valine at codon 666 is replaced by leucine, an amino acid with highly similar properties. This amino acid position is conserved. In addition, this alteration is predicted to be tolerated by in silico analysis. Since supporting evidence is limited at this time, the clinical significance of this alteration remains unclear.